The following is an entry in ClinVar:

NM_033305.3(VPS13A):c.2136A>C (p.Gln712His)

Gene: VPS13A (vacuolar protein sorting 13 homolog A; plus strand). Cytogenetic location: 9q21.2.
Variant type: single nucleotide variant.
Coding change: c.2136A>C on transcript NM_033305.3 (MANE Select); coding-DNA position 2136, A replaced by C.
Protein change: p.Gln712His; replaces glutamine 712 with histidine.
Molecular consequence: missense variant.
Genome position (GRCh38, 1-based): chr9:77,250,195, A>C. VCF-style: chr9-77250195-A-C. GRCh37 (hg19) VCF-style: chr9-79865111-A-C.
Other names: c.2136A>C, p.Gln712His (NM_001018037.2, NM_001018038.3, NM_015186.4); short protein forms Q712H.
Identifiers: ClinVar variation 976566 (VCV000976566.5), dbSNP rs1389344705, ClinGen allele CA373849889.

ClinVar aggregate classification (germline): Uncertain significance. Review status: criteria provided, multiple submitters, no conflicts (2 of 4 stars). 2 submissions from 2 submitters: Uncertain significance (2). Last evaluated 2023-04-10.

Conditions:
VPS13A-related neurodegenerative disease. Also called: VPS13A Disease; Choreaacanthocytosis; Chorea-acanthocytosis; LEVINE-CRITCHLEY SYNDROME; Choreoacanthocytosis; ACANTHOCYTOSIS WITH NEUROLOGIC DISORDER. Identifiers: Orphanet 2388, MedGen C0393576, MONDO:0008695, OMIM 200150.

Allele frequency attached by ClinVar (database versions not stated): TOPMed 0.00002.
gnomAD v4.1: 5 of 1,613,848 alleles (0.00031%); highest among the groups gnomAD compares: Non-Finnish European, 0.00042%; no homozygotes.

Submissions (2):

GeneDx
Classification: Uncertain significance. Last evaluated: 2023-04-10. Review status: criteria provided, single submitter. Criteria: GeneDx Variant Classification Process June 2021. Collection method: clinical testing. Allele origin: germline. Affected: yes.
Comment: Not observed at significant frequency in large population cohorts (gnomAD); In silico analysis supports that this missense variant has a deleterious effect on protein structure/function; Has not been previously published as pathogenic or benign to our knowledge

Illumina Laboratory Services, Illumina
Classification: Uncertain significance for VPS13A-related neurodegenerative disease. Last evaluated: 2017-04-28. Review status: criteria provided, single submitter. Criteria: ICSL Variant Classification Criteria 13 December 2019. Collection method: clinical testing. Allele origin: germline.